The following is an entry in ClinVar:

ClinVar aggregate classification (germline): Uncertain significance. Review status: criteria provided, multiple submitters, no conflicts (2 of 4 stars). 2 submissions from 2 submitters: Uncertain significance (2). Last evaluated 2024-04-15.

Conditions:
Fanconi anemia (FA). Also called: Fanconi's anemia. Identifiers: Orphanet 84, MedGen C0015625, MeSH D005199, MONDO:0019391.
Fanconi anemia complementation group P. Also called: SLX4-Related Fanconi Anemia. Identifiers: Orphanet 84, MedGen C3469542, MONDO:0013499, OMIM 613951.

Allele frequency attached by ClinVar (database versions not stated): ExAC 0.00002; gnomAD exomes 0.00004; ESP Exome Variant Server 0.00008.
gnomAD v4.1: 65 of 1,614,088 alleles (0.004%); highest among the groups gnomAD compares: Admixed American, 0.005%; no homozygotes.

Submissions (2):

Labcorp Genetics (formerly Invitae), Labcorp
Classification: Uncertain significance for Fanconi anemia. Last evaluated: 2024-04-15. Review status: criteria provided, single submitter. Criteria: Invitae Variant Classification Sherloc (09022015). Collection method: clinical testing. Allele origin: germline.
Comment: This sequence change replaces glutamic acid, which is acidic and polar, with lysine, which is basic and polar, at codon 167 of the SLX4 protein (p.Glu167Lys). This variant is present in population databases (rs151018140, gnomAD 0.007%). This variant has not been reported in the literature in individuals affected with SLX4-related conditions. ClinVar contains an entry for this variant (Variation ID: 1499191). Algorithms developed to predict the effect of missense changes on protein structure and function output the following: SIFT: "Not Available"; PolyPhen-2: "Benign"; Align-GVGD: "Not Available". The lysine amino acid residue is found in multiple mammalian species, which suggests that this missense change does not adversely affect protein function. In summary, the available evidence is currently insufficient to determine the role of this variant in disease. Therefore, it has been classified as a Variant of Uncertain Significance.

Fulgent Genetics
Classification: Uncertain significance for Fanconi anemia complementation group P. Last evaluated: 2022-02-25. Review status: criteria provided, single submitter. Criteria: ACMG Guidelines, 2015. Collection method: clinical testing. Allele origin: unknown.

NM_032444.4(SLX4):c.499G>A (p.Glu167Lys)

Gene: SLX4 (SLX4 structure-specific endonuclease subunit; minus strand). Cytogenetic location: 16p13.3.
Variant type: single nucleotide variant.
Coding change: c.499G>A on transcript NM_032444.4 (MANE Select); coding-DNA position 499, G replaced by A.
Protein change: p.Glu167Lys; replaces glutamic acid 167 with lysine.
Molecular consequence: missense variant.
Genome position (GRCh38, 1-based): chr16:3,608,466, C>T on the plus strand (G>A on the coding strand, the complement: SLX4 is on the minus strand). VCF-style: chr16-3608466-C-T. GRCh37 (hg19) VCF-style: chr16-3658467-C-T.
Other names: short protein forms E167K.
Identifiers: ClinVar variation 1499191 (VCV001499191.7), dbSNP rs151018140, ClinGen allele CA7866856.